The following is an entry in ClinVar:

NM_058004.4(PI4KA):c.327del (p.Val110fs)

Gene: PI4KA (phosphatidylinositol 4-kinase alpha; minus strand). Cytogenetic location: 22q11.21.
Variant type: Deletion.
Coding change: c.327del on transcript NM_058004.4 (MANE Select); coding-DNA position 327, one base deleted (A; older notation c.327delA).
Protein change: p.Val110fs; shifts the reading frame from valine 110.
Molecular consequence: frameshift variant.
Genome position (GRCh38, 1-based): chr22:20,834,602, T deleted on the plus strand (A on the coding strand, the reverse complement: PI4KA is on the minus strand); the first of 4 consecutive T bases (chr22:20,834,602-20,834,605); deleting any one gives the same sequence. VCF-style (leftmost placement, unchanged base first): chr22-20834601-CT-C. GRCh37 (hg19) VCF-style: chr22-21188889-CT-C.
Other names: c.327del, p.Val110fs (NM_001362862.2, NM_001362863.2); short protein forms V110fs.
Identifiers: ClinVar variation 4880219 (VCV004880219.1).
Genomic context (GRCh38, chr22:20,834,601, plus strand): 5'-GAAAACATTATATACAATTACCTCTGCCTTTCCGAGCTGTGCTTTCTTCTACCCAATACA[CT>C]TTTGGAAGACCTTTGAGAAGTCGAAGAAGGTAAGGAACCACACAATCTTTGTGCTAAAAA-3'

ClinVar aggregate classification (germline): Pathogenic (1 of 4 stars; one submission).

Conditions:
Polymicrogyria, perisylvian, with cerebellar hypoplasia and arthrogryposis (NEDSPLB). Identifiers: MedGen C4225295, MONDO:0014679, OMIM 616531.

Submission:

Wales Gene Park, Division Of Cancer and Genetics, Cardiff University
Classification: Pathogenic for Polymicrogyria, perisylvian, with cerebellar hypoplasia and arthrogryposis. Last evaluated: 2026-04-28. Review status: criteria provided, single submitter. Criteria: ACGS Best Practice Guidelines for Variant Classification in Rare Disease 2024. Collection method: research. Allele origin: inherited. Inheritance: Autosomal recessive inheritance. Affected: yes. Study: 100,000 Genomes Project (Wales).
Comment: Inherited PI4KA frameshift variant detected by trio genome sequencing. Low frequency in gnomAD (v4.1.1). Evidence codes: PVS1, PM2.